The following is an entry in ClinVar:

NM_002529.4(NTRK1):c.391_392del (p.Ser131fs)

Gene: NTRK1 (neurotrophic receptor tyrosine kinase 1; plus strand). Cytogenetic location: 1q23.1.
Variant type: Microsatellite.
Coding change: c.391_392del on transcript NM_002529.4 (MANE Select); coding-DNA positions 391 to 392, 2 bases deleted (TC; older notation c.391_392delTC).
Protein change: p.Ser131fs; shifts the reading frame from serine 131.
Molecular consequence: frameshift variant.
Genome position (GRCh38, 1-based): chr1:156,866,941-156,866,942, TC deleted; deleting any 2 consecutive bases within chr1:156,866,935-156,866,942 gives the same sequence; the c. name uses the placement nearest the transcript's 3' end. VCF-style (leftmost placement, unchanged base first): chr1-156866934-GTC-G. GRCh37 (hg19) VCF-style: chr1-156836726-GTC-G.
Other names: c.301_302del, p.Ser101fs (NM_001007792.1); c.385_386TC[3], p.Ser131Leufs (NM_001012331.1); c.391_392del, p.Ser131fs (NM_001012331.2); c.391_392del (NM_001012331.1); short protein forms S101fs, S131fs.
Identifiers: ClinVar variation 3901480 (VCV003901480.3).

ClinVar aggregate classification (germline): Pathogenic. Review status: criteria provided, multiple submitters, no conflicts (2 of 4 stars). 3 submissions from 3 submitters: Pathogenic (3). Last evaluated 2025-01-14.

Conditions:
Hereditary insensitivity to pain with anhidrosis (CIPA). Also called: hereditary sensory and autonomic neuropathy type 4; FAMILIAL DYSAUTONOMIA, TYPE II; NEUROPATHY, CONGENITAL SENSORY, WITH ANHIDROSIS; INSENSITIVITY TO PAIN, CONGENITAL, WITH ANHIDROSIS; HSAN Type IV; NTRK1 Congenital Insensitivity to Pain with Anhidrosis. Identifiers: Orphanet 642, MedGen C0020074, MONDO:0009746, OMIM 256800.

Submissions (3):

Myriad Genetics, Inc.
Classification: Pathogenic for Hereditary insensitivity to pain with anhidrosis. Last evaluated: 2025-01-14. Review status: criteria provided, single submitter. Criteria: Myriad Autosomal Dominant, Autosomal Recessive and X-Linked Classification Criteria (2023). Collection method: clinical testing. Allele origin: unknown.
Comment: NM_002529.3(NTRK1):c.391_392delTC(S131Lfs*41) is a frameshift variant classified as pathogenic in the context of congenital insensitivity to pain with anhidrosis, NTRK1-related. S131Lfs*41 has been observed in cases with relevant disease (PMID: 10982191, 11668614). Relevant functional assessments of this variant are not available in the literature. S131Lfs*41 has not been observed in referenced population frequency databases. In summary, NM_002529.3(NTRK1):c.391_392delTC(S131Lfs*41) is a frameshift variant in a gene where loss of function is a known mechanism of disease, is predicted to disrupt protein function, and has been observed more frequently in cases with the relevant disease than in healthy populations. Please note: this variant was assessed in the context of healthy population screening.

GeneDx
Classification: Pathogenic. Last evaluated: 2024-12-05. Review status: criteria provided, single submitter. Criteria: GeneDx Variant Classification Process June 2021. Collection method: clinical testing. Allele origin: germline. Affected: yes.
Comment: Frameshift variant predicted to result in protein truncation or nonsense mediated decay in a gene for which loss of function is a known mechanism of disease; Not observed at significant frequency in large population cohorts (gnomAD); Also known as c.475_476delTC; This variant is associated with the following publications: (PMID: 11668614, 10982191)

Natera, Inc.
Classification: Pathogenic for Hereditary insensitivity to pain with anhidrosis. Last evaluated: 2024-09-10. Review status: criteria provided, single submitter. Criteria: Natera Variant Classification Schema (03/2026). Collection method: clinical testing. Allele origin: germline.
Comment: The c.391_392del variant in NTRK1 is a frameshift variant predicted to shift the reading frame beginning at codon 131 and leads to a stop codon 41 codons downstream. This variant is expected to result in nonsense mediated decay, truncation, or a dysfunctional protein product. This variant is rare in the general population with a frequency below the threshold expected for the associated phenotype(s). This variant has been observed in one or more individuals affected with the associated recessive disease, as either homozygous or compound heterozygous with a second variant (PMID: 11668614). Given the available evidence, this variant is classified as Pathogenic.

Literature cited by the submitters: PubMed 10982191 (cited by Myriad Genetics, Inc.); PubMed 11668614 (cited by Myriad Genetics, Inc. and Natera, Inc.).